The following is an entry in ClinVar:

ClinVar aggregate classification (germline): Likely benign (0 of 4 stars; one submission).

Conditions:
MESP1-related disorder. Also called: MESP1-related condition.

Submission:

PreventionGenetics, part of Exact Sciences
Classification: Likely benign for MESP1-related condition. Last evaluated: 2019-06-05. Review status: no assertion criteria provided. Collection method: clinical testing. Allele origin: germline.
Comment: This variant is classified as likely benign based on ACMG/AMP sequence variant interpretation guidelines (Richards et al. 2015 PMID: 25741868, with internal and published modifications).

NM_018670.4(MESP1):c.465T>G (p.Gly155=)

Genes: MESP1 (mesoderm posterior bHLH transcription factor 1; minus strand), LOC130057888 (ATAC-STARR-seq lymphoblastoid silent region 6803; plus strand). Cytogenetic location: 15q26.1.
Variant type: single nucleotide variant.
Coding change: c.465T>G on transcript NM_018670.4 (MANE Select); coding-DNA position 465, T replaced by G.
Protein change: p.Gly155=; no amino-acid change (glycine 155 retained).
Molecular consequence: synonymous variant.
Genome position (GRCh38, 1-based): chr15:89,750,767, A>C on the plus strand (T>G on the coding strand, the complement: MESP1 is on the minus strand). VCF-style: chr15-89750767-A-C. GRCh37 (hg19) VCF-style: chr15-90293998-A-C.
Identifiers: ClinVar variation 3043619 (VCV003043619.2), dbSNP rs2505153604, ClinGen allele CA492294822.